The following continues an entry in ClinVar:

NM_000059.4(BRCA2):c.6706G>A (p.Glu2236Lys)

Gene: BRCA2. ClinVar aggregate classification (germline): Conflicting classifications of pathogenicity. Uncertain significance (14); Likely benign (3).

Submissions 8 to 20 of 20:

All of Us Research Program, National Institutes of Health
Classification: Uncertain significance for BRCA2-related cancer predisposition. Last evaluated: 2024-02-22. Review status: criteria provided, single submitter. Criteria: ACMG Guidelines, 2015. Collection method: clinical testing. Allele origin: germline. Inheritance: Autosomal dominant inheritance. Observed: 10 variant alleles, 10 heterozygotes.
Comment: This missense variant replaces glutamic acid with lysine at codon 2236 of the BRCA2 protein. Computational prediction is inconclusive regarding the impact of this variant on protein structure and function (internally defined REVEL score threshold 0.5 < inconclusive < 0.7, PMID: 27666373). To our knowledge, functional studies have not been reported for this variant. This variant has been reported in individuals affected with prostate, breast and/or ovarian cancer (PMID 21952622, 24504028, 25948282, 32606146, 33471991). In a large breast cancer case-control meta analysis conducted by the BRIDGES consortium, this variant was reported in 8/60466 cases and 2/53461 unaffected controls (OR=3.537 (95%CI 0.751 to 16.657); p-value=0.116; Leiden Open Variation Database DB-ID BRCA2_001033 (PMID: 33471991)). This variant has also been identified in 9/251308 chromosomes in the general population by the Genome Aggregation Database (gnomAD). The available evidence is insufficient to determine the role of this variant in disease conclusively. Therefore, this variant is classified as a Variant of Uncertain Significance.

This study involves interpretation of variants in research participants for the purpose of population health screening. Participant phenotype was not available at the time of variant classification. Additional details can be found in publication PMID: 35346344, PMCID: PMC8962531

Color Diagnostics, LLC DBA Color Health
Classification: Uncertain significance for Hereditary cancer-predisposing syndrome. Last evaluated: 2024-01-31. Review status: criteria provided, single submitter. Criteria: ACMG Guidelines, 2015. Collection method: clinical testing. Allele origin: germline.
Comment: This missense variant replaces glutamic acid with lysine at codon 2236 of the BRCA2 protein. Computational prediction is inconclusive regarding the impact of this variant on protein structure and function. To our knowledge, functional studies have not been reported for this variant. This variant has been reported in individuals affected with prostate, breast and/or ovarian cancer (PMID 21952622, 24504028, 25948282, 32606146, 33471991). In a large breast cancer case-control meta analysis conducted by the BRIDGES consortium, this variant was reported in 8/60466 cases and 2/53461 unaffected controls (OR=3.537 (95%CI 0.751 to 16.657); p-value=0.116; Leiden Open Variation Database DB-ID BRCA2_001033 (PMID: 33471991)). This variant has also been identified in 9/251308 chromosomes in the general population by the Genome Aggregation Database (gnomAD). The available evidence is insufficient to determine the role of this variant in disease conclusively. Therefore, this variant is classified as a Variant of Uncertain Significance.

University of Washington Department of Laboratory Medicine, University of Washington
Classification: Likely benign for Hereditary cancer-predisposing syndrome. Last evaluated: 2023-03-23. Review status: criteria provided, single submitter. Criteria: Dines et al. (Genet Med. 2020). Collection method: curation. Allele origin: germline.
Comment: Missense variant in a coldspot region where missense variants are very unlikely to be pathogenic (PMID:31911673).

BRCA2 exon 11 coldspot. Reclassification based on statistical prior probability.

CHEO Genetics Diagnostic Laboratory, Children's Hospital of Eastern Ontario
Classification: Uncertain significance for Breast and/or ovarian cancer. Last evaluated: 2022-10-14. Review status: criteria provided, single submitter. Criteria: ACMG Guidelines, 2015. Collection method: clinical testing. Allele origin: germline.

Clinical Genetics Laboratory, Skane University Hospital Lund
Classification: Uncertain significance. Last evaluated: 2022-05-27. Review status: criteria provided, single submitter. Criteria: ACMG Guidelines, 2015. Collection method: clinical testing. Allele origin: germline. Affected: yes.

Sema4
Classification: Uncertain significance for Hereditary cancer-predisposing syndrome. Last evaluated: 2021-09-28. Review status: criteria provided, single submitter. Criteria: Sema4 Curation Guidelines. Collection method: curation. Allele origin: germline.
Comment: The BRCA2 c.6706G>A (p.E2236K) variant has been reported in 2 individuals with breast or ovarian cancer, and 2 individuals with prostate cancer (PMID: 32606146, 21952622, 24504028, 25948282, 24504028). In a large breast cancer study, it was observed in 8/60466 individuals with breast cancer and 2/53461 controls (PMID: 33471991). It was observed in 7/113652 chromosomes of the Non-Finnish European subpopulation in the large and broad cohorts of the Genome Aggregation Database (PMID: 32461654). The variant has been reported in ClinVar (Variation ID: 52165). Functional studies have not been performed, and in silico predictions of the variant's effect on protein function are inconclusive. The evidence is insufficient to meet ACMG/AMP criteria for classifying the variant as benign or pathogenic. Thus, the clinical significance of this variant is currently uncertain.

Department of Pathology and Laboratory Medicine, Sinai Health System
Classification: Uncertain significance for BRCA2-related cancer predisposition. Last evaluated: 2020-09-30. Review status: criteria provided, single submitter. Criteria: ACMG Guidelines, 2015. Collection method: clinical testing. Allele origin: germline.

Fulgent Genetics
Classification: Uncertain significance for Familial cancer of breast; Medulloblastoma; Familial prostate cancer; Wilms tumor 1; Fanconi anemia complementation group D1; Breast-ovarian cancer, familial, susceptibility to, 2; Glioma susceptibility 3; Pancreatic cancer, susceptibility to, 2. Last evaluated: 2018-10-31. Review status: criteria provided, single submitter. Criteria: ACMG Guidelines, 2015. Collection method: clinical testing. Allele origin: unknown.

Illumina Laboratory Services, Illumina
Classification: Uncertain significance for Fanconi anemia complementation group D1. Last evaluated: 2017-04-27. Review status: criteria provided, single submitter. Criteria: ICSL Variant Classification Criteria 13 December 2019. Collection method: clinical testing. Allele origin: germline.

Illumina Laboratory Services, Illumina
Classification: Uncertain significance for Breast-ovarian cancer, familial, susceptibility to, 2. Last evaluated: 2017-04-27. Review status: criteria provided, single submitter. Criteria: ICSL Variant Classification Criteria 13 December 2019. Collection method: clinical testing. Allele origin: germline.
Comment: This variant was observed as part of a predisposition screen in an ostensibly healthy population. A literature search was performed for the gene, cDNA change, and amino acid change (where applicable). Publications were found based on this search. However, the evidence from the literature, in combination with allele frequency data from public databases where available, was not sufficient to rule this variant in or out of causing disease. Therefore, this variant is classified as a variant of unknown significance.

Counsyl
Classification: Uncertain significance for Breast-ovarian cancer, familial, susceptibility to, 2. Last evaluated: 2017-05-31. Review status: no assertion criteria provided. Collection method: clinical testing. Allele origin: unknown. Not counted in ClinVar's aggregate classification.

Sharing Clinical Reports Project (SCRP)
Classification: Likely benign for Breast-ovarian cancer, familial 2. Last evaluated: 2012-05-01. Review status: no assertion criteria provided. Collection method: clinical testing. Allele origin: germline. Not counted in ClinVar's aggregate classification.

Breast Cancer Information Core (BIC) (BRCA2)
Classification: Uncertain significance for Breast-ovarian cancer, familial 2. Last evaluated: 2004-02-20. Review status: no assertion criteria provided. Collection method: clinical testing. Allele origin: germline. Affected: yes. Observed: 1 variant allele. Not counted in ClinVar's aggregate classification.

Literature cited by the submitters: PubMed 21952622 (cited by 7 submitters); PubMed 23231788 (cited by 5 submitters); PubMed 18724707 (cited by Women's Health and Genetics/Laboratory Corporation of America, LabCorp and Ambry Genetics); PubMed 24504028 (cited by 7 submitters); PubMed 25948282 (cited by 8 submitters); PubMed 26207792 (cited by 3 submitters); PubMed 25233892 (cited by Women's Health and Genetics/Laboratory Corporation of America, LabCorp); PubMed 32606146 (cited by 5 submitters); PubMed 31911673 (cited by Quest Diagnostics Nichols Institute San Juan Capistrano); PubMed 33471991 (cited by 4 submitters); PubMed 39062721 (cited by Quest Diagnostics Nichols Institute San Juan Capistrano).